The following is an entry in ClinVar:

ClinVar aggregate classification (germline): Uncertain significance (1 of 4 stars; one submission).

Submission:

Labcorp Genetics (formerly Invitae), Labcorp
Classification: Uncertain significance. Last evaluated: 2021-04-08. Review status: criteria provided, single submitter. Criteria: Invitae Variant Classification Sherloc (09022015). Collection method: clinical testing. Allele origin: germline.
Comment: In summary, the available evidence is currently insufficient to determine the role of this variant in disease. Therefore, it has been classified as a Variant of Uncertain Significance. Advanced modeling of protein sequence and biophysical properties (such as structural, functional, and spatial information, amino acid conservation, physicochemical variation, residue mobility, and thermodynamic stability) performed at Invitae indicates that this missense variant is not expected to disrupt BEST1 protein function. This variant has not been reported in the literature in individuals with BEST1-related conditions. This variant is not present in population databases (ExAC no frequency). This sequence change replaces aspartic acid with glutamic acid at codon 451 of the BEST1 protein (p.Asp451Glu). The aspartic acid residue is moderately conserved and there is a small physicochemical difference between aspartic acid and glutamic acid.

NM_004183.4(BEST1):c.1353C>G (p.Asp451Glu)

Gene: BEST1 (bestrophin 1; plus strand). Cytogenetic location: 11q12.3.
Variant type: single nucleotide variant.
Coding change: c.1353C>G on transcript NM_004183.4 (MANE Select); coding-DNA position 1353, C replaced by G.
Protein change: p.Asp451Glu; replaces aspartic acid 451 with glutamic acid.
Molecular consequence: missense variant. On other transcripts: non-coding transcript variant (1).
Genome position (GRCh38, 1-based): chr11:61,962,507, C>G. VCF-style: chr11-61962507-C-G. GRCh37 (hg19) VCF-style: chr11-61729979-C-G.
Other names: c.1173C>G, p.Asp391Glu (NM_001139443.3, NM_001300787.2); c.1092C>G, p.Asp364Glu (NM_001300786.2); c.1035C>G, p.Asp345Glu (NM_001363591.3); c.*248C>G (NM_001363592.2); c.381C>G, p.Asp127Glu (NM_001363593.3); short protein forms D345E, D391E, D127E, D364E, D451E.
Identifiers: ClinVar variation 1431153 (VCV001431153.8), dbSNP rs371105070, ClinGen allele CA380848584.